The following is an entry in ClinVar:

NM_005585.5(SMAD6):c.49C>T (p.Arg17Cys)

Gene: SMAD6 (SMAD family member 6; plus strand). Cytogenetic location: 15q22.31.
Variant type: single nucleotide variant.
Coding change: c.49C>T on transcript NM_005585.5 (MANE Select); coding-DNA position 49, C replaced by T.
Protein change: p.Arg17Cys; replaces arginine 17 with cysteine.
Molecular consequence: missense variant. On other transcripts: non-coding transcript variant (1).
Genome position (GRCh38, 1-based): chr15:66,703,307, C>T. VCF-style: chr15-66703307-C-T. GRCh37 (hg19) VCF-style: chr15-66995645-C-T.
Other names: short protein forms R17C.
Identifiers: ClinVar variation 4745252 (VCV004745252.1).

ClinVar aggregate classification (germline): Uncertain significance (1 of 4 stars; one submission).

Conditions:
Aortic valve disease 2 (AOVD2). Identifiers: MedGen C3542024, MONDO:0013902, OMIM 614823.

gnomAD v4.1: 2 of 1,490,178 alleles (0.00013%); highest among the groups gnomAD compares: Non-Finnish European, 0.000089%; no homozygotes.

Submission:

Labcorp Genetics (formerly Invitae), Labcorp
Classification: Uncertain significance for Aortic valve disease 2. Last evaluated: 2025-12-29. Review status: criteria provided, single submitter. Criteria: Invitae Variant Classification Sherloc (09022015). Collection method: clinical testing. Allele origin: germline.
Comment: This sequence change replaces arginine, which is basic and polar, with cysteine, which is neutral and slightly polar, at codon 17 of the SMAD6 protein (p.Arg17Cys). This variant is not present in population databases (gnomAD no frequency). This variant has not been reported in the literature in individuals affected with SMAD6-related conditions. An algorithm developed to predict the effect of missense changes on protein structure and function (PolyPhen-2) suggests that this variant is likely to be disruptive. In summary, the available evidence is currently insufficient to determine the role of this variant in disease. Therefore, it has been classified as a Variant of Uncertain Significance.